The following is an entry in ClinVar:

ClinVar aggregate classification (germline): Benign/Likely benign. Review status: criteria provided, multiple submitters, no conflicts (2 of 4 stars). 5 submissions from 5 submitters: Benign (3); Likely benign (2). Last evaluated 2026-01-28.

Conditions:
Deficiency of ferroxidase (ACEP). Also called: Deficiency of ceruloplasmin; Ceruloplasmin deficiency; Familial apoceruloplasmin deficiency; Hereditary ceruloplasmin deficiency; NEURODEGENERATION WITH BRAIN IRON ACCUMULATION 10; Aceruloplasminemia. Identifiers: Orphanet 48818, MedGen C0878682, MONDO:0011426, OMIM 604290, HP:0025498.

Allele frequency attached by ClinVar (database versions not stated): ESP Exome Variant Server 0.00031; gnomAD exomes 0.00136 and 0.00507; gnomAD 0.00213 and 0.00235; ExAC 0.00383; TOPMed 0.00475; 1000 Genomes Project 0.00859; 1000 Genomes Project 30x 0.00968.

Submissions (5):

Labcorp Genetics (formerly Invitae), Labcorp
Classification: Benign for Deficiency of ferroxidase. Last evaluated: 2026-01-28. Review status: criteria provided, single submitter. Criteria: Invitae Variant Classification Sherloc (09022015). Collection method: clinical testing. Allele origin: germline.

Mayo Clinic Laboratories, Mayo Clinic
Classification: Benign. Last evaluated: 2023-05-25. Review status: criteria provided, single submitter. Criteria: ACMG Guidelines, 2015. Collection method: clinical testing. Allele origin: germline. Observed: 7 variant alleles.
Comment: BA1, BS2, BP4, BP7

GeneDx
Classification: Benign. Last evaluated: 2021-04-09. Review status: criteria provided, single submitter. Criteria: GeneDx Variant Classification Process June 2021. Collection method: clinical testing. Allele origin: germline. Affected: yes.

Illumina Laboratory Services, Illumina
Classification: Likely benign for Deficiency of ferroxidase. Last evaluated: 2017-04-27. Review status: criteria provided, single submitter. Criteria: ICSL Variant Classification Criteria 13 December 2019. Collection method: clinical testing. Allele origin: germline.
Comment: This variant was observed as part of a predisposition screen in an ostensibly healthy population. A literature search was performed for the gene, cDNA change, and amino acid change (where applicable). No publications were found based on this search. Allele frequency data from public databases allowed determination this variant is unlikely to cause disease. Therefore, this variant is classified as likely benign.

Breakthrough Genomics
Classification: Likely benign. Review status: criteria provided, single submitter. Criteria: ACMG Guidelines, 2015. Collection method: not provided. Allele origin: germline. Inheritance: Autosomal recessive inheritance. Affected: yes.

NM_000096.4(CP):c.993T>C (p.Pro331=)

Gene: CP (ceruloplasmin; minus strand). Cytogenetic location: 3q25.1.
Variant type: single nucleotide variant.
Coding change: c.993T>C on transcript NM_000096.4 (MANE Select); coding-DNA position 993, T replaced by C.
Protein change: p.Pro331=; no amino-acid change (proline 331 retained).
Molecular consequence: synonymous variant. On other transcripts: non-coding transcript variant (1).
Genome position (GRCh38, 1-based): chr3:149,207,406, A>G on the plus strand (T>C on the coding strand, the complement: CP is on the minus strand). VCF-style: chr3-149207406-A-G. GRCh37 (hg19) VCF-style: chr3-148925193-A-G.
Other names: p.Pro331=.
Identifiers: ClinVar variation 343777 (VCV000343777.19), dbSNP rs17847025, ClinGen allele CA2661181.
Genomic context (GRCh38, chr3:149,207,406, plus strand): 5'-AGGTAAAGATGTCCTACCTTTCAGATGGTTTAGATTCTGACAGCTGAGCATCCATTCTCC[A>G]GGGTTCTGGGCCACCATATAAGCATCAAACAGGGTAGCAGGAAAGAGGTTGATTGTGTCA-3'
Protein context (NP_000087.2, residues 321-341): LFDAYMVAQN[Pro331=]GEWMLSCQNL